The following is an entry in ClinVar:

ClinVar aggregate classification (germline): Uncertain significance (1 of 4 stars; one submission).

gnomAD v4.1: 1 of 1,212,617 alleles (0.000082%); highest among the groups gnomAD compares: Non-Finnish European, 0.00011%; no homozygotes.

Submission:

Women's Health and Genetics/Laboratory Corporation of America, LabCorp
Classification: Uncertain significance. Last evaluated: 2026-04-16. Review status: criteria provided, single submitter. Criteria: LabCorp Variant Classification Summary - May 2015. Collection method: clinical testing. Allele origin: germline.
Comment: Variant summary: BCOR c.1663A>G (p.Thr555Ala) results in a non-conservative amino acid change in the encoded protein sequence. Algorithms developed to predict the effect of missense changes on protein structure and function are either unavailable or do not agree on the potential impact of this missense change. The variant was absent in 183268 control chromosomes. The available data on variant occurrences in the general population are insufficient to allow any conclusion about variant significance. To our knowledge, no occurrence of c.1663A>G in individuals affected with BCOR-related conditions and no experimental evidence demonstrating its impact on protein function have been reported. No submitters have cited clinical-significance assessments for this variant to ClinVar. Based on the evidence outlined above, the variant was classified as uncertain significance.

NM_001123385.2(BCOR):c.1663A>G (p.Thr555Ala)

Gene: BCOR (BCL6 corepressor; minus strand). Cytogenetic location: Xp11.4.
Variant type: single nucleotide variant.
Coding change: c.1663A>G on transcript NM_001123385.2 (MANE Select); coding-DNA position 1663, A replaced by G.
Protein change: p.Thr555Ala; replaces threonine 555 with alanine.
Molecular consequence: missense variant.
Genome position (GRCh38, 1-based): chrX:40,073,683, T>C on the plus strand (A>G on the coding strand, the complement: BCOR is on the minus strand). VCF-style: chrX-40073683-T-C. GRCh37 (hg19) VCF-style: chrX-39932936-T-C.
Other names: c.1663A>G, p.Thr555Ala (NM_001123383.2, NM_001123384.2, NM_001437510.1 and 4 more transcripts); short protein forms T555A.
Identifiers: ClinVar variation 4848482 (VCV004848482.1).